The following is an entry in ClinVar:

NM_182943.3(PLOD2):c.201+871T>C

Gene: PLOD2 (procollagen-lysine,2-oxoglutarate 5-dioxygenase 2; minus strand). Cytogenetic location: 3q24.
Variant type: single nucleotide variant.
Coding change: c.201+871T>C on transcript NM_182943.3 (MANE Select); 871 bases into the intron after coding-DNA position 201, T replaced by C.
Molecular consequence: intron variant.
Genome position (GRCh38, 1-based): chr3:146,123,267, A>G on the plus strand (T>C on the coding strand, the complement: PLOD2 is on the minus strand). VCF-style: chr3-146123267-A-G. GRCh37 (hg19) VCF-style: chr3-145841054-A-G.
Other names: c.201+871T>C (NM_000935.3).
Identifiers: ClinVar variation 4846893 (VCV004846893.1).

ClinVar aggregate classification (germline): Uncertain significance (1 of 4 stars; one submission).

Conditions:
Bruck syndrome 2 (BRKS2). Also called: OSTEOGENESIS IMPERFECTA WITH CONGENITAL JOINT CONTRACTURES. Identifiers: Orphanet 2771, MedGen C1836602, MONDO:0012217, OMIM 609220.

Submission:

Laboratorio de Genetica e Diagnostico Molecular, Hospital Israelita Albert Einstein
Classification: Uncertain significance for Bruck syndrome 2. Last evaluated: 2025-10-27. Review status: criteria provided, single submitter. Criteria: ACMG Guidelines, 2015. Collection method: clinical testing. Allele origin: germline. Affected: yes.
Comment: ACMG classification criteria: PM2 supporting, BP4 supporting